The following is an entry in ClinVar:

ClinVar aggregate classification (germline): Uncertain significance. Review status: criteria provided, multiple submitters, no conflicts (2 of 4 stars). 2 submissions from 2 submitters: Uncertain significance (2). Last evaluated 2025-10-07.

Conditions:
Inborn genetic diseases. Identifiers: MedGen C0950123, MeSH D030342.

Allele frequency attached by ClinVar (database versions not stated): gnomAD 0.00001; TOPMed 0.00002; gnomAD exomes 0.00001.

Submissions (2):

Ambry Genetics
Classification: Uncertain significance for Inborn genetic diseases. Last evaluated: 2025-10-07. Review status: criteria provided, single submitter. Criteria: Ambry Variant Classification Scheme 2023. Collection method: clinical testing. Allele origin: germline.

Labcorp Genetics (formerly Invitae), Labcorp
Classification: Uncertain significance. Last evaluated: 2022-06-08. Review status: criteria provided, single submitter. Criteria: Invitae Variant Classification Sherloc (09022015). Collection method: clinical testing. Allele origin: germline.
Comment: This sequence change replaces arginine, which is basic and polar, with histidine, which is basic and polar, at codon 145 of the EIF2B5 protein (p.Arg145His). This variant is present in population databases (no rsID available, gnomAD 0.006%). This variant has not been reported in the literature in individuals affected with EIF2B5-related conditions. Algorithms developed to predict the effect of missense changes on protein structure and function output the following: SIFT: "Tolerated"; PolyPhen-2: "Benign"; Align-GVGD: "Class C0". The histidine amino acid residue is found in multiple mammalian species, which suggests that this missense change does not adversely affect protein function. In summary, the available evidence is currently insufficient to determine the role of this variant in disease. Therefore, it has been classified as a Variant of Uncertain Significance.

NM_003907.3(EIF2B5):c.434G>A (p.Arg145His)

Gene: EIF2B5 (eukaryotic translation initiation factor 2B subunit epsilon; plus strand). Cytogenetic location: 3q27.1.
Variant type: single nucleotide variant.
Coding change: c.434G>A on transcript NM_003907.3 (MANE Select); coding-DNA position 434, G replaced by A.
Protein change: p.Arg145His; replaces arginine 145 with histidine.
Molecular consequence: missense variant.
Genome position (GRCh38, 1-based): chr3:184,137,733, G>A. VCF-style: chr3-184137733-G-A. GRCh37 (hg19) VCF-style: chr3-183855521-G-A.
Other names: c.434G>A (NM_003907.2); short protein forms R145H.
Identifiers: ClinVar variation 2039390 (VCV002039390.2), dbSNP rs1216563183, ClinGen allele CA355381945.